The following is an entry in ClinVar:

NC_000008.10:g.(100025576_100025987)_(100133674_100146859)dup

Gene: VPS13B (vacuolar protein sorting 13 homolog B; plus strand). Cytogenetic location: 8q22.2.
Variant type: Duplication.
Identifiers: ClinVar variation 4689728 (VCV004689728.1).

ClinVar aggregate classification (germline): Uncertain significance (1 of 4 stars; one submission).

Submission:

Women's Health and Genetics/Laboratory Corporation of America, LabCorp
Classification: Uncertain significance. Last evaluated: 2026-01-26. Review status: criteria provided, single submitter. Criteria: LabCorp Variant Classification Summary - May 2015. Collection method: clinical testing. Allele origin: germline.
Comment: Variant summary: The variant involves the duplication of exons 2-8 in the VPS13B gene. A presumed nomenclature of c.(-30+1_-29-1)_(1206+1_1207-1)dup has been designated for the purposes of this classification. It is predicted to duplicate a segment including the initiation codon, therefore its impact on the encoded protein is unknown. The variant was absent in 21694 control chromosomes. The available data on variant occurrences in the general population are insufficient to allow any conclusion about variant significance. To our knowledge, no occurrence of c.(-30+1_-29-1)_(1206+1_1207-1)dup in individuals affected with VPS13B-related conditions and no experimental evidence demonstrating its impact on protein function have been reported. ClinVar contains an entry for this variant (Variation ID: 1433874). Based on the evidence outlined above, the variant was classified as uncertain significance.